The following is an entry in ClinVar:

NM_001039591.3(USP9X):c.3143C>A (p.Pro1048Gln)

Gene: USP9X (ubiquitin specific peptidase 9 X-linked; plus strand). Cytogenetic location: Xp11.4.
Variant type: single nucleotide variant.
Coding change: c.3143C>A on transcript NM_001039591.3 (MANE Select); coding-DNA position 3143, C replaced by A.
Protein change: p.Pro1048Gln; replaces proline 1048 with glutamine.
Molecular consequence: missense variant.
Genome position (GRCh38, 1-based): chrX:41,171,953, C>A. VCF-style: chrX-41171953-C-A. GRCh37 (hg19) VCF-style: chrX-41031206-C-A.
Other names: c.3143C>A, p.Pro1048Gln (NM_001039590.3); c.3158C>A, p.Pro1053Gln (NM_001410748.1, NM_001410749.1, NM_001437534.1); short protein forms P1048Q, P1053Q.
Identifiers: ClinVar variation 5017514 (VCV005017514.1).
Genomic context (GRCh38, chrX:41,171,953, plus strand): 5'-GTAGCAGCCTAAATATGCCACCCCTTAGAGATGGAGCAAGAGTACTTATGAAACTTATGC[C>A]GCCAGGTAAGAATTTTTAAATGATGATCAAGTACTTGCTGGACAATAAAGGAGTATATTA-3'
Protein context (NP_001034680.2, residues 1038-1058): DGARVLMKLM[Pro1048Gln]PDSTTIEKLR

ClinVar aggregate classification (germline): Uncertain significance (1 of 4 stars; one submission).

Submission:

GeneDx
Classification: Uncertain significance. Last evaluated: 2026-03-25. Review status: criteria provided, single submitter. Criteria: GeneDx Variant Classification Process June 2021. Collection method: clinical testing. Allele origin: germline.
Comment: Not observed at significant frequency in large population cohorts (gnomAD); In silico analysis supports that this missense variant has a deleterious effect on protein structure/function; Has not been previously published as pathogenic or benign to our knowledge